The following is an entry in ClinVar:

ClinVar aggregate classification (germline): Uncertain significance (1 of 4 stars; one submission).

gnomAD v4.1: 2 of 1,613,700 alleles (0.00012%); highest among the groups gnomAD compares: South Asian, 0.0011%; no homozygotes.

Submission:

Labcorp Genetics (formerly Invitae), Labcorp
Classification: Uncertain significance. Last evaluated: 2025-08-11. Review status: criteria provided, single submitter. Criteria: Invitae Variant Classification Sherloc (09022015). Collection method: clinical testing. Allele origin: germline.
Comment: This sequence change replaces glutamic acid, which is acidic and polar, with lysine, which is basic and polar, at codon 687 of the C1S protein (p.Glu687Lys). This variant is present in population databases (rs782354572, gnomAD 0.0009%). This variant has not been reported in the literature in individuals affected with C1S-related conditions. An algorithm developed to predict the effect of missense changes on protein structure and function outputs the following: PolyPhen-2: "Benign". The lysine amino acid residue is found in multiple mammalian species, which suggests that this missense change does not adversely affect protein function. In summary, the available evidence is currently insufficient to determine the role of this variant in disease. Therefore, it has been classified as a Variant of Uncertain Significance.

NM_001734.5(C1S):c.2059G>A (p.Glu687Lys)

Gene: C1S (complement C1s; plus strand). Cytogenetic location: 12p13.31.
Variant type: single nucleotide variant.
Coding change: c.2059G>A on transcript NM_001734.5 (MANE Select); coding-DNA position 2059, G replaced by A.
Protein change: p.Glu687Lys; replaces glutamic acid 687 with lysine.
Molecular consequence: missense variant.
Genome position (GRCh38, 1-based): chr12:7,070,643, G>A. VCF-style: chr12-7070643-G-A. GRCh37 (hg19) VCF-style: chr12-7177947-G-A.
Other names: c.1558G>A, p.Glu520Lys (NM_001346850.2); c.2059G>A, p.Glu687Lys (NM_201442.4); short protein forms E520K, E687K.
Identifiers: ClinVar variation 4725239 (VCV004725239.1).